The following is an entry in ClinVar:

NM_000136.3(FANCC):c.1495C>T (p.Pro499Ser)

Genes: AOPEP (aminopeptidase O (putative); plus strand), FANCC (FA complementation group C; minus strand). Cytogenetic location: 9q22.32.
Variant type: single nucleotide variant.
Coding change: c.1495C>T on transcript NM_000136.3 (MANE Select); coding-DNA position 1495, C replaced by T.
Protein change: p.Pro499Ser; replaces proline 499 with serine.
Molecular consequence: missense variant.
Genome position (GRCh38, 1-based): chr9:95,107,104, G>A on the plus strand (C>T on the coding strand, the complement: FANCC is on the minus strand). VCF-style: chr9-95107104-G-A. GRCh37 (hg19) VCF-style: chr9-97869386-G-A.
Other names: c.1495C>T (NM_000136.2); c.1495C>T, p.Pro499Ser (NM_001243743.2); short protein forms P499S.
Identifiers: ClinVar variation 584736 (VCV000584736.5), dbSNP rs1564641164, ClinGen allele CA374105617.

ClinVar aggregate classification (germline): Uncertain significance. Review status: criteria provided, multiple submitters, no conflicts (2 of 4 stars). 2 submissions from 2 submitters: Uncertain significance (2). Last evaluated 2023-05-24.

Conditions:
Fanconi anemia complementation group A (FANCA). Also called: Fanconi anemia, group A; FANCA-Related Fanconi Anemia. Identifiers: Orphanet 84, MedGen C3469521, MONDO:0009215, OMIM 227650.
Hereditary cancer-predisposing syndrome. Also called: Neoplastic Syndromes, Hereditary; Hereditary Cancer Syndrome; Tumor predisposition; Hereditary neoplastic syndrome. Identifiers: Orphanet 140162, MedGen C0027672, MeSH D009386, MONDO:0015356.

Submissions (2):

Ambry Genetics
Classification: Uncertain significance for Hereditary cancer-predisposing syndrome. Last evaluated: 2023-05-24. Review status: criteria provided, single submitter. Criteria: Ambry Variant Classification Scheme 2023. Collection method: clinical testing. Allele origin: germline.
Comment: The p.P499S variant (also known as c.1495C>T), located in coding exon 13 of the FANCC gene, results from a C to T substitution at nucleotide position 1495. The proline at codon 499 is replaced by serine, an amino acid with similar properties. This amino acid position is well conserved in available vertebrate species. In addition, this alteration is predicted to be tolerated by in silico analysis. Since supporting evidence is limited at this time, the clinical significance of this alteration remains unclear.

Mendelics
Classification: Uncertain significance for Fanconi anemia complementation group A. Last evaluated: 2019-05-28. Review status: criteria provided, single submitter. Criteria: Mendelics Assertion Criteria 2017. Collection method: clinical testing. Allele origin: unknown.